The following is an entry in ClinVar:

NM_002230.4(JUP):c.794G>A (p.Arg265His)

Gene: JUP (junction plakoglobin; minus strand). Cytogenetic location: 17q21.2.
Variant type: single nucleotide variant.
Coding change: c.794G>A on transcript NM_002230.4 (MANE Select); coding-DNA position 794, G replaced by A.
Protein change: p.Arg265His; replaces arginine 265 with histidine.
Molecular consequence: missense variant.
Genome position (GRCh38, 1-based): chr17:41,767,494, C>T on the plus strand (G>A on the coding strand, the complement: JUP is on the minus strand). VCF-style: chr17-41767494-C-T. GRCh37 (hg19) VCF-style: chr17-39923746-C-T.
Other names: c.794G>A, p.Arg265His (NM_001352773.2, NM_001352774.2, NM_001352775.2 and 3 more transcripts); short protein forms R265H.
Identifiers: ClinVar variation 212751 (VCV000212751.9), dbSNP rs782440692, ClinGen allele CA208935.

ClinVar aggregate classification (germline): Uncertain significance. Review status: criteria provided, multiple submitters, no conflicts (2 of 4 stars). 4 submissions from 4 submitters: Uncertain significance (3). 1 of the submissions does not count toward it. Last evaluated 2023-09-28.

Conditions:
Naxos disease (NXD). Also called: KERATOSIS PALMOPLANTARIS WITH ARRHYTHMOGENIC CARDIOMYOPATHY; MAL DE NAXOS; PALMOPLANTAR KERATODERMA WITH ARRHYTHMOGENIC RIGHT VENTRICULAR CARDIOMYOPATHY AND WOOLLY HAIR; CARDIOMYOPATHY, ARRHYTHMOGENIC RIGHT VENTRICULAR, WITH SKIN, HAIR, AND NAIL ABNORMALITIES; WOOLLY HAIR, PALMOPLANTAR KERATODERMA, AND CARDIAC ABNORMALITIES. Identifiers: Orphanet 34217, MedGen C1832600, MONDO:0011017, OMIM 601214.
Arrhythmogenic right ventricular dysplasia 12. Also called: ARRHYTHMOGENIC RIGHT VENTRICULAR DYSPLASIA, FAMILIAL, 12. Identifiers: MedGen C1969081, MONDO:0012684, OMIM 611528.
Cardiovascular phenotype. Identifiers: MedGen CN230736.

Allele frequency attached by ClinVar (database versions not stated): gnomAD exomes below 0.00001 and 0.00001; ExAC 0.00001; gnomAD 0.00001; TOPMed 0.00001.
gnomAD v4.1: 4 of 1,613,816 alleles (0.00025%); highest among the groups gnomAD compares: African/African-American, 0.0013%; no homozygotes.

Submissions (4):

Ambry Genetics
Classification: Uncertain significance for Cardiovascular phenotype. Last evaluated: 2023-09-28. Review status: criteria provided, single submitter. Criteria: Ambry Variant Classification Scheme 2023. Collection method: clinical testing. Allele origin: germline.
Comment: The p.R265H variant (also known as c.794G>A), located in coding exon 4 of the JUP gene, results from a G to A substitution at nucleotide position 794. The arginine at codon 265 is replaced by histidine, an amino acid with highly similar properties. This alteration has been reported as homozygous in two affected family members with arrhythmogenic right ventricular cardiomyopathy, alopecia, and palmoplantar keratoderma (Erken H et al. Br J Dermatol, 2011 Oct;165:917-21). This amino acid position is highly conserved in available vertebrate species. In addition, this alteration is predicted to be deleterious by in silico analysis. Since supporting evidence is limited at this time, the clinical significance of this alteration remains unclear.

Labcorp Genetics (formerly Invitae), Labcorp
Classification: Uncertain significance for Arrhythmogenic right ventricular dysplasia 12; Naxos disease. Last evaluated: 2022-05-16. Review status: criteria provided, single submitter. Criteria: Invitae Variant Classification Sherloc (09022015). Collection method: clinical testing. Allele origin: germline.
Comment: In summary, the available evidence is currently insufficient to determine the role of this variant in disease. Therefore, it has been classified as a Variant of Uncertain Significance. Algorithms developed to predict the effect of missense changes on protein structure and function are either unavailable or do not agree on the potential impact of this missense change (SIFT: "Deleterious"; PolyPhen-2: "Probably Damaging"; Align-GVGD: "Class C0"). ClinVar contains an entry for this variant (Variation ID: 212751). This missense change has been observed in individual(s) with clinical features of Naxos disease (PMID: 21668431). It has also been observed to segregate with disease in related individuals. This variant is present in population databases (rs782440692, gnomAD 0.004%). This sequence change replaces arginine, which is basic and polar, with histidine, which is basic and polar, at codon 265 of the JUP protein (p.Arg265His).

Fulgent Genetics
Classification: Uncertain significance for Naxos disease; Arrhythmogenic right ventricular dysplasia 12. Last evaluated: 2021-11-02. Review status: criteria provided, single submitter. Criteria: ACMG Guidelines, 2015. Collection method: clinical testing. Allele origin: unknown.

OMIM
Classification: Pathogenic for NAXOS DISEASE. Last evaluated: 2011-10-01. Review status: no assertion criteria provided. Collection method: literature only. Allele origin: germline. Not counted in ClinVar's aggregate classification.

Literature cited by the submitters: PubMed 21668431 (cited by 3 submitters).